The following is an entry in ClinVar:

ClinVar aggregate classification (germline): Uncertain significance. Review status: criteria provided, multiple submitters, no conflicts (2 of 4 stars). 3 submissions from 3 submitters: Uncertain significance (2). 1 of the submissions does not count toward it. Last evaluated 2022-12-21.

Conditions:
Flexion contracture. Also called: Contractures; Flexion deformity; Contracture. Identifiers: MedGen C0333068, HP:0001371.

Allele frequency attached by ClinVar (database versions not stated): ExAC 0.00003; gnomAD 0.00004; gnomAD exomes 0.00006; TOPMed 0.00009.
gnomAD v4.1: 108 of 1,614,008 alleles (0.0067%); highest among the groups gnomAD compares: Middle Eastern, 0.016%; no homozygotes.

Submissions (3):

GeneDx
Classification: Uncertain significance. Last evaluated: 2022-12-21. Review status: criteria provided, single submitter. Criteria: GeneDx Variant Classification Process June 2021. Collection method: clinical testing. Allele origin: germline. Affected: yes.
Comment: Observed in the heterozygous state in one patient with a duplicated collecting system and in the homozygous state in one patient with arthrogryposis, but in vitro functional studies were not included (Nicolaou et al., 2016; Pehlivan et al., 2019); In silico analysis supports that this missense variant has a deleterious effect on protein structure/function; This variant is associated with the following publications: (PMID: 26489027, 31230720)

Labcorp Genetics (formerly Invitae), Labcorp
Classification: Uncertain significance. Last evaluated: 2021-07-06. Review status: criteria provided, single submitter. Criteria: Invitae Variant Classification Sherloc (09022015). Collection method: clinical testing. Allele origin: germline.
Comment: This variant is present in population databases (rs764579183, ExAC 0.02%). In summary, the available evidence is currently insufficient to determine the role of this variant in disease. Therefore, it has been classified as a Variant of Uncertain Significance. Algorithms developed to predict the effect of sequence changes on RNA splicing suggest that this variant may create or strengthen a splice site. Algorithms developed to predict the effect of missense changes on protein structure and function (SIFT, PolyPhen-2, Align-GVGD) all suggest that this variant is likely to be disruptive. ClinVar contains an entry for this variant (Variation ID: 816807). This variant has been observed in individual(s) with clinical features of FAT1-related conditions (PMID: 26489027). This sequence change replaces asparagine with serine at codon 2009 of the FAT1 protein (p.Asn2009Ser). The asparagine residue is highly conserved and there is a small physicochemical difference between asparagine and serine.

Lupski Lab, Baylor-Hopkins CMG, Baylor College of Medicine
Classification: Uncertain significance for Flexion contracture. Review status: no assertion criteria provided. Collection method: research. Allele origin: inherited. Inheritance: Autosomal recessive inheritance. Affected: yes. Observed: 3 variant alleles, 2 heterozygotes, 1 homozygote. Not counted in ClinVar's aggregate classification.

Literature cited by the submitters: PubMed 26489027 (cited by Labcorp Genetics (formerly Invitae), Labcorp).

NM_005245.4(FAT1):c.6026A>G (p.Asn2009Ser)

Gene: FAT1 (FAT atypical cadherin 1; minus strand). Cytogenetic location: 4q35.2.
Variant type: single nucleotide variant.
Coding change: c.6026A>G on transcript NM_005245.4 (MANE Select); coding-DNA position 6026, A replaced by G.
Protein change: p.Asn2009Ser; replaces asparagine 2009 with serine.
Molecular consequence: missense variant.
Genome position (GRCh38, 1-based): chr4:186,620,560, T>C on the plus strand (A>G on the coding strand, the complement: FAT1 is on the minus strand). VCF-style: chr4-186620560-T-C. GRCh37 (hg19) VCF-style: chr4-187541714-T-C.
Other names: short protein forms N2009S.
Identifiers: ClinVar variation 816807 (VCV000816807.8), dbSNP rs764579183, ClinGen allele CA3166331.